The following is an entry in ClinVar:

ClinVar aggregate classification (germline): Uncertain significance. Review status: criteria provided, multiple submitters, no conflicts (2 of 4 stars). 2 submissions from 2 submitters: Uncertain significance (2). Last evaluated 2025-11-03.

Conditions:
Hereditary cancer-predisposing syndrome. Also called: Neoplastic Syndromes, Hereditary; Hereditary Cancer Syndrome; Tumor predisposition; Hereditary neoplastic syndrome. Identifiers: Orphanet 140162, MedGen C0027672, MeSH D009386, MONDO:0015356.
EGFR-related lung cancer (EGFR). Identifiers: MedGen CN130014.

gnomAD v4.1: 10 of 1,614,116 alleles (0.00062%); highest among the groups gnomAD compares: Admixed American, 0.0017%; no homozygotes.

Submissions (2):

Labcorp Genetics (formerly Invitae), Labcorp
Classification: Uncertain significance for EGFR-related lung cancer. Last evaluated: 2025-11-03. Review status: criteria provided, single submitter. Criteria: Invitae Variant Classification Sherloc (09022015). Collection method: clinical testing. Allele origin: germline.
Comment: This sequence change replaces proline, which is neutral and non-polar, with arginine, which is basic and polar, at codon 266 of the EGFR protein (p.Pro266Arg). This variant is present in population databases (rs17336639, gnomAD 0.003%). This variant has not been reported in the literature in individuals affected with EGFR-related conditions. ClinVar contains an entry for this variant (Variation ID: 1039091). Invitae Evidence Modeling of protein sequence and biophysical properties (such as structural, functional, and spatial information, amino acid conservation, physicochemical variation, residue mobility, and thermodynamic stability) indicates that this missense variant is not expected to disrupt EGFR protein function with a negative predictive value of 80%. In summary, the available evidence is currently insufficient to determine the role of this variant in disease. Therefore, it has been classified as a Variant of Uncertain Significance.

Ambry Genetics
Classification: Uncertain significance for Hereditary cancer-predisposing syndrome. Last evaluated: 2025-01-16. Review status: criteria provided, single submitter. Criteria: Ambry Variant Classification Scheme 2023. Collection method: clinical testing. Allele origin: germline.
Comment: The p.P266R variant (also known as c.797C>G), located in coding exon 7 of the EGFR gene, results from a C to G substitution at nucleotide position 797. The proline at codon 266 is replaced by arginine, an amino acid with dissimilar properties. This amino acid position is not well conserved in available vertebrate species. In addition, the in silico prediction for this alteration is inconclusive. Based on the available evidence, the clinical significance of this variant remains unclear.

NM_005228.5(EGFR):c.797C>G (p.Pro266Arg)

Gene: EGFR (epidermal growth factor receptor; plus strand). Cytogenetic location: 7p11.2.
Variant type: single nucleotide variant.
Coding change: c.797C>G on transcript NM_005228.5 (MANE Select); coding-DNA position 797, C replaced by G.
Protein change: p.Pro266Arg; replaces proline 266 with arginine.
Molecular consequence: missense variant. On other transcripts: intron variant (1).
Genome position (GRCh38, 1-based): chr7:55,154,060, C>G. VCF-style: chr7-55154060-C-G. GRCh37 (hg19) VCF-style: chr7-55221753-C-G.
Other names: c.797C>G (NM_005228.3); c.662C>G, p.Pro221Arg (NM_001346897.2, NM_001346899.2); c.797C>G, p.Pro266Arg (NM_001346898.2, NM_201282.2, NM_201283.2 and 1 more transcripts); c.638C>G, p.Pro213Arg (NM_001346900.2); c.89-1770C>G (NM_001346941.2); short protein forms P213R, P221R, P266R.
Identifiers: ClinVar variation 1039091 (VCV001039091.7), dbSNP rs17336639, ClinGen allele CA4265368.